The following is an entry in ClinVar:

NM_182925.5(FLT4):c.3993G>A (p.Val1331=)

Gene: FLT4 (fms related receptor tyrosine kinase 4; minus strand). Cytogenetic location: 5q35.3.
Variant type: single nucleotide variant.
Coding change: c.3993G>A on transcript NM_182925.5 (MANE Select); coding-DNA position 3993, G replaced by A.
Protein change: p.Val1331=; no amino-acid change (valine 1331 retained).
Molecular consequence: synonymous variant.
Genome position (GRCh38, 1-based): chr5:180,603,291, C>T on the plus strand (G>A on the coding strand, the complement: FLT4 is on the minus strand). VCF-style: chr5-180603291-C-T. GRCh37 (hg19) VCF-style: chr5-180030291-C-T.
Identifiers: ClinVar variation 3032945 (VCV003032945.2), dbSNP rs200963530, ClinGen allele CA3605602.
Genomic context (GRCh38, chr5:180,603,291, plus strand): 5'-CGGGGAGCAGTGGTCCTCCTCGCTTGGCTCCGACAGCTCCCCATACTCGCTGTTGTAAAA[C>T]ACCTGGCCTCCTCGGGCCCCCCGCTCAGGCCGCCGCCGCCTCCCTTGGGAGTCAGGGTGT-3'
Protein context (NP_891555.2, residues 1321-1341): RPERGARGGQ[Val1331=]FYNSEYGELS

ClinVar aggregate classification (germline): Likely benign (0 of 4 stars; one submission).

Conditions:
FLT4-related disorder. Also called: FLT4-related condition.

Allele frequency attached by ClinVar (database versions not stated): TOPMed 0.00005; ESP Exome Variant Server 0.00008; gnomAD 0.00023; ExAC 0.00026; gnomAD exomes 0.00028.
gnomAD v4.1: 429 of 1,613,906 alleles (0.027%); highest among the groups gnomAD compares: Non-Finnish European, 0.023%; no homozygotes.

Submission:

PreventionGenetics, part of Exact Sciences
Classification: Likely benign for FLT4-related condition. Last evaluated: 2022-05-04. Review status: no assertion criteria provided. Collection method: clinical testing. Allele origin: germline.
Comment: This variant is classified as likely benign based on ACMG/AMP sequence variant interpretation guidelines (Richards et al. 2015 PMID: 25741868, with internal and published modifications).